The following is an entry in ClinVar:

ClinVar aggregate classification (germline): Uncertain significance. Review status: criteria provided, multiple submitters, no conflicts (2 of 4 stars). 2 submissions from 2 submitters: Uncertain significance (2). Last evaluated 2022-07-22.

Conditions:
Susceptibility to respiratory infections associated with CD8alpha chain mutation (IMD116). Also called: Cd8 deficiency, familial; IMMUNODEFICIENCY 116. Identifiers: Orphanet 169085, MedGen C1837065, MONDO:0012161, OMIM 608957.

Allele frequency attached by ClinVar (database versions not stated): TOPMed 0.00012; 1000 Genomes Project 0.00020; 1000 Genomes Project 30x 0.00031; ESP Exome Variant Server 0.00023.
gnomAD v4.1: 292 of 1,613,746 alleles (0.018%); highest among the groups gnomAD compares: Non-Finnish European, 0.024%; no homozygotes.

Submissions (2):

Labcorp Genetics (formerly Invitae), Labcorp
Classification: Uncertain significance for Susceptibility to respiratory infections associated with CD8alpha chain mutation. Last evaluated: 2022-07-22. Review status: criteria provided, single submitter. Criteria: Invitae Variant Classification Sherloc (09022015). Collection method: clinical testing. Allele origin: germline.
Comment: This sequence change replaces serine, which is neutral and polar, with arginine, which is basic and polar, at codon 229 of the CD8A protein (p.Ser229Arg). This variant is present in population databases (rs199807314, gnomAD 0.04%). This variant has not been reported in the literature in individuals affected with CD8A-related conditions. ClinVar contains an entry for this variant (Variation ID: 952792). Algorithms developed to predict the effect of missense changes on protein structure and function output the following: SIFT: "Tolerated"; PolyPhen-2: "Possibly Damaging"; Align-GVGD: "Class C0". The arginine amino acid residue is found in multiple mammalian species, which suggests that this missense change does not adversely affect protein function. In summary, the available evidence is currently insufficient to determine the role of this variant in disease. Therefore, it has been classified as a Variant of Uncertain Significance.

Ambry Genetics
Classification: Uncertain significance. Last evaluated: 2022-04-07. Review status: criteria provided, single submitter. Criteria: Ambry Variant Classification Scheme 2023. Collection method: clinical testing. Allele origin: germline.

NM_001768.7(CD8A):c.687C>A (p.Ser229Arg)

Gene: CD8A (CD8 subunit alpha; minus strand). Cytogenetic location: 2p11.2.
Variant type: single nucleotide variant.
Coding change: c.687C>A on transcript NM_001768.7 (MANE Select); coding-DNA position 687, C replaced by A.
Protein change: p.Ser229Arg; replaces serine 229 with arginine.
Molecular consequence: missense variant. On other transcripts: non-coding transcript variant (5).
Genome position (GRCh38, 1-based): chr2:86,785,941, G>T on the plus strand (C>A on the coding strand, the complement: CD8A is on the minus strand). VCF-style: chr2-86785941-G-T. GRCh37 (hg19) VCF-style: chr2-87013064-G-T.
Other names: c.687C>A, p.Ser229Arg (NM_001145873.1, NM_001382698.1); c.576C>A, p.Ser192Arg (NM_171827.4); short protein forms S229R, S192R.
Identifiers: ClinVar variation 952792 (VCV000952792.6), dbSNP rs199807314, ClinGen allele CA1751075.